The following is an entry in ClinVar:

ClinVar aggregate classification (germline): Uncertain significance. Review status: criteria provided, multiple submitters, no conflicts (2 of 4 stars). 7 submissions from 7 submitters: Uncertain significance (7). Last evaluated 2025-07-03.

Conditions:
Ataxia-telangiectasia-like disorder (ATLD). Identifiers: MedGen C1858391, MONDO:0011457.
MRE11-related disorder. Also called: MRE11-related condition.
Hereditary cancer-predisposing syndrome. Also called: Neoplastic Syndromes, Hereditary; Hereditary Cancer Syndrome; Tumor predisposition; Hereditary neoplastic syndrome. Identifiers: Orphanet 140162, MedGen C0027672, MeSH D009386, MONDO:0015356.
Ataxia-telangiectasia-like disorder 1 (ATLD1). Identifiers: Orphanet 251347, MedGen C4012790, MONDO:0024557, OMIM 604391.

Allele frequency attached by ClinVar (database versions not stated): ExAC 0.00004; gnomAD exomes 0.00004; gnomAD 0.00005 and 0.00006; TOPMed 0.00007; 1000 Genomes Project 30x 0.00016; 1000 Genomes Project 0.00020; ESP Exome Variant Server 0.00031.
gnomAD v4.1: 174 of 1,608,648 alleles (0.011%); highest among the groups gnomAD compares: Non-Finnish European, 0.014%; no homozygotes.

Submissions (7):

Women's Health and Genetics/Laboratory Corporation of America, LabCorp
Classification: Uncertain significance. Last evaluated: 2025-07-03. Review status: criteria provided, single submitter. Criteria: LabCorp Variant Classification Summary - May 2015. Collection method: clinical testing. Allele origin: germline.
Comment: Variant summary: MRE11A c.1858A>G (p.Ile620Val) results in a conservative amino acid change in the encoded protein sequence. Algorithms developed to predict the effect of missense changes on protein structure and function are either unavailable or do not agree on the potential impact of this missense change. The variant was absent in 1608648 control chromosomes. The available data on variant occurrences in the general population are insufficient to allow any conclusion about variant significance. c.1858A>G has been observed in individual(s) affected with breast and/or ovarian cancer without strong evidence for causality (e.g. Martin_2024). This report does not provide unequivocal conclusions about association of the variant with Hereditary Breast And Ovarian Cancer Syndrome. To our knowledge, no experimental evidence demonstrating an impact on protein function has been reported. The following publication has been ascertained in the context of this evaluation (PMID: 38566764). ClinVar contains an entry for this variant (Variation ID: 142478). Based on the evidence outlined above, the variant was classified as uncertain significance.

Ambry Genetics
Classification: Uncertain significance for Hereditary cancer-predisposing syndrome. Last evaluated: 2025-06-06. Review status: criteria provided, single submitter. Criteria: Ambry Variant Classification Scheme 2023. Collection method: clinical testing. Allele origin: germline.
Comment: The p.I620V variant (also known as c.1858A>G), located in coding exon 15 of the MRE11A gene, results from an A to G substitution at nucleotide position 1858. The isoleucine at codon 620 is replaced by valine, an amino acid with highly similar properties. This variant was reported in 14/60,466 breast cancer cases and in 9/53,461 controls (Dorling et al. N Engl J Med. 2021 02;384:428-439). This amino acid position is highly conserved in available vertebrate species. In addition, this alteration is predicted to be tolerated by in silico analysis. Since supporting evidence is limited at this time, the clinical significance of this alteration remains unclear.

Quest Diagnostics Nichols Institute San Juan Capistrano
Classification: Uncertain significance. Last evaluated: 2025-05-30. Review status: criteria provided, single submitter. Criteria: Quest Diagnostics criteria. Collection method: clinical testing. Allele origin: unknown.

Labcorp Genetics (formerly Invitae), Labcorp
Classification: Uncertain significance for Ataxia-telangiectasia-like disorder. Last evaluated: 2025-02-10. Review status: criteria provided, single submitter. Criteria: Invitae Variant Classification Sherloc (09022015). Collection method: clinical testing. Allele origin: germline.
Comment: This sequence change replaces isoleucine, which is neutral and non-polar, with valine, which is neutral and non-polar, at codon 620 of the MRE11 protein (p.Ile620Val). This variant is present in population databases (rs144070976, gnomAD 0.007%). This variant has not been reported in the literature in individuals affected with MRE11-related conditions. ClinVar contains an entry for this variant (Variation ID: 142478). An algorithm developed to predict the effect of missense changes on protein structure and function (PolyPhen-2) suggests that this variant is likely to be tolerated. In summary, the available evidence is currently insufficient to determine the role of this variant in disease. Therefore, it has been classified as a Variant of Uncertain Significance.

Blueprint Genetics
Classification: Uncertain significance. Last evaluated: 2024-05-20. Review status: criteria provided, single submitter. Criteria: ACMG Guidelines, 2015. Collection method: clinical testing. Allele origin: germline.

PreventionGenetics, part of Exact Sciences
Classification: Uncertain significance for MRE11-related condition. Last evaluated: 2022-10-19. Review status: criteria provided, single submitter. Criteria: ACMG Guidelines, 2015. Collection method: clinical testing. Allele origin: germline.
Comment: The MRE11 c.1858A>G variant is predicted to result in the amino acid substitution p.Ile620Val. To our knowledge, this variant has not been reported in the literature. This variant is reported in 0.0071% of alleles in individuals of European (Non-Finnish) descent in gnomAD. At this time, the clinical significance of this variant is uncertain due to the absence of conclusive functional and genetic evidence.

Fulgent Genetics
Classification: Uncertain significance for Ataxia-telangiectasia-like disorder 1. Last evaluated: 2022-04-16. Review status: criteria provided, single submitter. Criteria: ACMG Guidelines, 2015. Collection method: clinical testing. Allele origin: unknown.

Literature cited by the submitters: PubMed 38566764 (cited by Women's Health and Genetics/Laboratory Corporation of America, LabCorp); PubMed 33471991 (cited by Ambry Genetics).

NM_005591.4(MRE11):c.1858A>G (p.Ile620Val)

Gene: MRE11 (MRE11 double strand break repair nuclease; minus strand). Cytogenetic location: 11q21.
Variant type: single nucleotide variant.
Coding change: c.1858A>G on transcript NM_005591.4 (MANE Select); coding-DNA position 1858, A replaced by G.
Protein change: p.Ile620Val; replaces isoleucine 620 with valine.
Molecular consequence: missense variant. On other transcripts: intron variant (1).
Genome position (GRCh38, 1-based): chr11:94,445,819, T>C on the plus strand (A>G on the coding strand, the complement: MRE11 is on the minus strand). VCF-style: chr11-94445819-T-C. GRCh37 (hg19) VCF-style: chr11-94178985-T-C.
Other names: c.1855A>G, p.Ile619Val (NM_001330347.2); c.1783+1400A>G (NM_005590.4); short protein forms I620V, I619V.
Identifiers: ClinVar variation 142478 (VCV000142478.24), dbSNP rs144070976, ClinGen allele CA168456.